The following is an entry in ClinVar:

ClinVar aggregate classification (germline): Benign. Review status: criteria provided, multiple submitters, no conflicts (2 of 4 stars). 4 submissions from 4 submitters: Benign (4). Last evaluated 2026-01-19.

Conditions:
Episodic ataxia type 6. Identifiers: Orphanet 209967, MedGen C2675211, MONDO:0012982, OMIM 612656.

Allele frequency attached by ClinVar (database versions not stated): ESP Exome Variant Server 0.00038; gnomAD exomes 0.00183 and 0.00442; gnomAD 0.00266 and 0.00288; ExAC 0.00434; 1000 Genomes Project 30x 0.00625.
gnomAD v4.1: 3,085 of 1,591,026 alleles (0.19%); highest among the groups gnomAD compares: East Asian, 2%; 19 homozygotes.

Submissions (4):

Labcorp Genetics (formerly Invitae), Labcorp
Classification: Benign. Last evaluated: 2026-01-19. Review status: criteria provided, single submitter. Criteria: Invitae Variant Classification Sherloc (09022015). Collection method: clinical testing. Allele origin: germline.

Athena Diagnostics
Classification: Benign. Last evaluated: 2024-01-12. Review status: criteria provided, single submitter. Criteria: Athena Diagnostics Criteria. Collection method: clinical testing. Allele origin: unknown.

Illumina Laboratory Services, Illumina
Classification: Benign for Episodic ataxia type 6. Last evaluated: 2018-01-12. Review status: criteria provided, single submitter. Criteria: ICSL Variant Classification Criteria 13 December 2019. Collection method: clinical testing. Allele origin: germline.
Comment: This variant was observed in the ICSL laboratory as part of a predisposition screen in an ostensibly healthy population. It had not been previously curated by ICSL or reported in the Human Gene Mutation Database (HGMD: prior to June 1st, 2018), and was therefore a candidate for classification through an automated scoring system. Utilizing variant allele frequency, disease prevalence and penetrance estimates, and inheritance mode, an automated score was calculated to assess if this variant is too frequent to cause the disease. Based on the score and internal cut-off values, a variant classified as benign is not then subjected to further curation. The score for this variant resulted in a classification of benign for this disease.

Breakthrough Genomics
Classification: Benign. Review status: criteria provided, single submitter. Criteria: ACMG Guidelines, 2015. Collection method: not provided. Allele origin: germline. Inheritance: Autosomal dominant inheritance. Affected: yes.

NM_004172.5(SLC1A3):c.195A>T (p.Gly65=)

Gene: SLC1A3 (solute carrier family 1 member 3; plus strand). Cytogenetic location: 5p13.2.
Variant type: single nucleotide variant.
Coding change: c.195A>T on transcript NM_004172.5 (MANE Select); coding-DNA position 195, A replaced by T.
Protein change: p.Gly65=; no amino-acid change (glycine 65 retained).
Molecular consequence: synonymous variant. On other transcripts: intron variant (1).
Genome position (GRCh38, 1-based): chr5:36,629,463, A>T. VCF-style: chr5-36629463-A-T. GRCh37 (hg19) VCF-style: chr5-36629565-A-T.
Other names: c.195A>T, p.Gly65= (NM_001166695.3, NM_001289940.2); c.181+20859A>T (NM_001289939.2).
Identifiers: ClinVar variation 353308 (VCV000353308.17), dbSNP rs148896855, ClinGen allele CA3235392.